The following is an entry in ClinVar:

ClinVar aggregate classification (germline): Uncertain significance (1 of 4 stars; one submission).

Conditions:
Inborn genetic diseases. Identifiers: MedGen C0950123, MeSH D030342.

Submission:

Ambry Genetics
Classification: Uncertain significance for Inborn genetic diseases. Last evaluated: 2020-08-21. Review status: criteria provided, single submitter. Criteria: Ambry Variant Classification Scheme 2023. Collection method: clinical testing. Allele origin: germline.
Comment: The c.1459G>C (p.D487H) alteration is located in exon 10 (coding exon 9) of the NRXN1 gene. This alteration results from a G to C substitution at nucleotide position 1459, causing the aspartic acid (D) at amino acid position 487 to be replaced by a histidine (H). Based on data from the Genome Aggregation Database (gnomAD), the NRXN1 c.1459G>C alteration was not observed, with coverage at this position. This amino acid position is highly conserved in available vertebrate species. The in silico prediction for this alteration is inconclusive. Based on insufficient or conflicting evidence, the clinical significance of this alteration remains unclear.

NM_001330078.2(NRXN1):c.1339G>C (p.Asp447His)

Gene: NRXN1 (neurexin 1; minus strand). Cytogenetic location: 2p16.3.
Variant type: single nucleotide variant.
Coding change: c.1339G>C on transcript NM_001330078.2 (MANE Select); coding-DNA position 1339, G replaced by C.
Protein change: p.Asp447His; replaces aspartic acid 447 with histidine.
Molecular consequence: missense variant.
Genome position (GRCh38, 1-based): chr2:50,553,007, C>G on the plus strand (G>C on the coding strand, the complement: NRXN1 is on the minus strand). VCF-style: chr2-50553007-C-G. GRCh37 (hg19) VCF-style: chr2-50780145-C-G.
Other names: c.1459G>C, p.Asp487His (NM_001135659.3); c.1315G>C, p.Asp439His (NM_001330077.2, NM_001330082.2, NM_001330095.2); c.1300G>C, p.Asp434His (NM_001330083.2, NM_001330084.2); c.1339G>C, p.Asp447His (NM_001330085.2, NM_001330086.2, NM_004801.6); c.1255G>C, p.Asp419His (NM_001330087.2, NM_001330096.2); c.1285G>C, p.Asp429His (NM_001330088.2); c.1336G>C, p.Asp446His (NM_001330093.2); c.1327G>C, p.Asp443His (NM_001330094.2); short protein forms D419H, D434H, D439H, D443H, D447H, D429H, D446H, D487H.
Identifiers: ClinVar variation 2227435 (VCV002227435.2), dbSNP rs764140301, ClinGen allele CA346774413.